The following is an entry in ClinVar:

ClinVar aggregate classification (germline): Likely benign (1 of 4 stars; one submission).

gnomAD v4.1: 244 of 1,613,962 alleles (0.015%); highest among the groups gnomAD compares: African/African-American, 0.18%; 1 homozygote.

Submission:

CeGaT Center for Human Genetics Tuebingen
Classification: Likely benign. Last evaluated: 2025-06-01. Review status: criteria provided, single submitter. Criteria: CeGaT Center For Human Genetics Tuebingen Variant Classification Criteria Version 2. Collection method: clinical testing. Allele origin: germline. Affected: yes. Observed: 1 variant allele.
Comment: CABIN1: BP4, BP7

NM_012295.4(CABIN1):c.3702C>T (p.Gly1234=)

Gene: CABIN1 (calcineurin binding protein 1; plus strand). Cytogenetic location: 22q11.23.
Variant type: single nucleotide variant.
Coding change: c.3702C>T on transcript NM_012295.4 (MANE Select); coding-DNA position 3702, C replaced by T.
Protein change: p.Gly1234=; no amino-acid change (glycine 1234 retained).
Molecular consequence: synonymous variant.
Genome position (GRCh38, 1-based): chr22:24,091,759, C>T. VCF-style: chr22-24091759-C-T. GRCh37 (hg19) VCF-style: chr22-24487713-C-T.
Other names: c.3702C>T, p.Gly1234= (NM_001199281.1); c.3552C>T, p.Gly1184= (NM_001201429.2).
Identifiers: ClinVar variation 4084209 (VCV004084209.8).